The following is an entry in ClinVar:

ClinVar aggregate classification (germline): Uncertain significance. Review status: criteria provided, multiple submitters, no conflicts (2 of 4 stars). 2 submissions from 2 submitters: Uncertain significance (2). Last evaluated 2025-06-23.

Conditions:
Inborn genetic diseases. Identifiers: MedGen C0950123, MeSH D030342.

Allele frequency attached by ClinVar (database versions not stated): gnomAD exomes below 0.00001; gnomAD 0.00001; ExAC 0.00002.
gnomAD v4.1: 11 of 1,614,016 alleles (0.00068%); highest among the groups gnomAD compares: South Asian, 0.0011%; no homozygotes.

Submissions (2):

Ambry Genetics
Classification: Uncertain significance for Inborn genetic diseases. Last evaluated: 2025-06-23. Review status: criteria provided, single submitter. Criteria: Ambry Variant Classification Scheme 2023. Collection method: clinical testing. Allele origin: germline.
Comment: The p.G610S variant (also known as c.1828G>A), located in coding exon 17 of the DDX41 gene, results from a G to A substitution at nucleotide position 1828. The glycine at codon 610 is replaced by serine, an amino acid with similar properties. This amino acid position is conserved. In addition, this alteration is predicted to be tolerated by in silico analysis. Based on the available evidence, the clinical significance of this variant remains unclear.

GeneDx
Classification: Uncertain significance. Last evaluated: 2022-09-21. Review status: criteria provided, single submitter. Criteria: GeneDx Variant Classification Process June 2021. Collection method: clinical testing. Allele origin: germline. Affected: yes.
Comment: Not observed at significant frequency in large population cohorts (gnomAD); In silico analysis supports that this missense variant has a deleterious effect on protein structure/function; Has not been previously published as pathogenic or benign to our knowledge

NM_016222.4(DDX41):c.1828G>A (p.Gly610Ser)

Gene: DDX41 (DEAD-box helicase 41; minus strand). Cytogenetic location: 5q35.3.
Variant type: single nucleotide variant.
Coding change: c.1828G>A on transcript NM_016222.4 (MANE Select); coding-DNA position 1828, G replaced by A.
Protein change: p.Gly610Ser; replaces glycine 610 with serine.
Molecular consequence: missense variant.
Genome position (GRCh38, 1-based): chr5:177,511,832, C>T on the plus strand (G>A on the coding strand, the complement: DDX41 is on the minus strand). VCF-style: chr5-177511832-C-T. GRCh37 (hg19) VCF-style: chr5-176938833-C-T.
Other names: c.1450G>A, p.Gly484Ser (NM_001321732.2, NM_001321830.2); short protein forms G484S, G610S.
Identifiers: ClinVar variation 2446223 (VCV002446223.2), dbSNP rs763471166, ClinGen allele CA3584608.